The following is an entry in ClinVar:

ClinVar aggregate classification (germline): Uncertain significance (1 of 4 stars; one submission).

gnomAD v4.1: 3 of 1,614,166 alleles (0.00019%); highest among the groups gnomAD compares: Non-Finnish European, 0.00025%; no homozygotes.

Submission:

Labcorp Genetics (formerly Invitae), Labcorp
Classification: Uncertain significance. Last evaluated: 2025-09-29. Review status: criteria provided, single submitter. Criteria: Invitae Variant Classification Sherloc (09022015). Collection method: clinical testing. Allele origin: germline.
Comment: This sequence change replaces arginine, which is basic and polar, with glutamine, which is neutral and polar, at codon 645 of the ACACA protein (p.Arg645Gln). This variant is present in population databases (no rsID available, gnomAD no frequency). This variant has not been reported in the literature in individuals affected with ACACA-related conditions. An algorithm developed to predict the effect of missense changes on protein structure and function (PolyPhen-2) suggests that this variant is likely to be tolerated. In summary, the available evidence is currently insufficient to determine the role of this variant in disease. Therefore, it has been classified as a Variant of Uncertain Significance.

NM_198834.3(ACACA):c.2045G>A (p.Arg682Gln)

Gene: ACACA (acetyl-CoA carboxylase alpha; minus strand). Cytogenetic location: 17q12.
Variant type: single nucleotide variant.
Coding change: c.2045G>A on transcript NM_198834.3 (MANE Select); coding-DNA position 2045, G replaced by A.
Protein change: p.Arg682Gln; replaces arginine 682 with glutamine.
Molecular consequence: missense variant.
Genome position (GRCh38, 1-based): chr17:37,252,041, C>T on the plus strand (G>A on the coding strand, the complement: ACACA is on the minus strand). VCF-style: chr17-37252041-C-T. GRCh37 (hg19) VCF-style: chr17-35608967-C-T.
Other names: c.1934G>A, p.Arg645Gln (NM_198836.3, NM_198839.3); c.1760G>A, p.Arg587Gln (NM_198837.2); c.1700G>A, p.Arg567Gln (NM_198838.2); short protein forms R567Q, R645Q, R587Q, R682Q.
Identifiers: ClinVar variation 4781725 (VCV004781725.1).